The following is an entry in ClinVar:

ClinVar aggregate classification (germline): Uncertain significance (1 of 4 stars; one submission).

Allele frequency attached by ClinVar (database versions not stated): gnomAD exomes below 0.00001; TOPMed 0.00001.
gnomAD v4.1: 18 of 1,613,826 alleles (0.0011%); highest among the groups gnomAD compares: Non-Finnish European, 0.0014%; no homozygotes.

Submission:

Labcorp Genetics (formerly Invitae), Labcorp
Classification: Uncertain significance. Last evaluated: 2022-11-14. Review status: criteria provided, single submitter. Criteria: Invitae Variant Classification Sherloc (09022015). Collection method: clinical testing. Allele origin: germline.
Comment: This sequence change replaces valine, which is neutral and non-polar, with isoleucine, which is neutral and non-polar, at codon 329 of the ANLN protein (p.Val329Ile). This variant is present in population databases (no rsID available, gnomAD 0.007%). This variant has not been reported in the literature in individuals affected with ANLN-related conditions. ClinVar contains an entry for this variant (Variation ID: 1004469). Advanced modeling of protein sequence and biophysical properties (such as structural, functional, and spatial information, amino acid conservation, physicochemical variation, residue mobility, and thermodynamic stability) performed at Invitae indicates that this missense variant is not expected to disrupt ANLN protein function. In summary, the available evidence is currently insufficient to determine the role of this variant in disease. Therefore, it has been classified as a Variant of Uncertain Significance.

NM_018685.5(ANLN):c.985G>A (p.Val329Ile)

Gene: ANLN (anillin, actin binding protein; plus strand). Cytogenetic location: 7p14.2.
Variant type: single nucleotide variant.
Coding change: c.985G>A on transcript NM_018685.5 (MANE Select); coding-DNA position 985, G replaced by A.
Protein change: p.Val329Ile; replaces valine 329 with isoleucine.
Molecular consequence: missense variant.
Genome position (GRCh38, 1-based): chr7:36,407,845, G>A. VCF-style: chr7-36407845-G-A. GRCh37 (hg19) VCF-style: chr7-36447454-G-A.
Other names: c.985G>A, p.Val329Ile (NM_001284301.3, NM_001284302.3); short protein forms V329I.
Identifiers: ClinVar variation 1004469 (VCV001004469.8), dbSNP rs1397461562, ClinGen allele CA367208344.
Genomic context (GRCh38, chr7:36,407,845, plus strand): 5'-TGTGAGGGACAAAATCCTGAGCTACTTCCAAAAACTCCTATTAGTCCTCTGAAAACGGGG[G>A]TATCGAAACCAATTGTGAAGTCAACTTTATCCCAGACAGTTCCATCCAAGGGAGAATTAA-3'
Protein context (NP_061155.2, residues 319-339): KTPISPLKTG[Val329Ile]SKPIVKSTLS